The following is an entry in ClinVar:

ClinVar aggregate classification (germline): Benign (1 of 4 stars; one submission).

Allele frequency attached by ClinVar (database versions not stated): gnomAD 0.15475 and 0.15557; 1000 Genomes Project 30x 0.15709; 1000 Genomes Project 0.15735; TOPMed 0.15764.
gnomAD v4.1: 23,855 of 152,178 alleles (16%); highest among the groups gnomAD compares: East Asian, 27%; 2,221 homozygotes.

Submission:

GeneDx
Classification: Benign. Last evaluated: 2018-06-19. Review status: criteria provided, single submitter. Criteria: GeneDx Variant Classification (06012015). Collection method: clinical testing. Allele origin: germline. Affected: yes.
Comment: This variant is considered likely benign or benign based on one or more of the following criteria: it is a conservative change, it occurs at a poorly conserved position in the protein, it is predicted to be benign by multiple in silico algorithms, and/or has population frequency not consistent with disease.

NM_139343.3(BIN1):c.412-226C>T

Gene: BIN1 (bridging integrator 1; minus strand). Cytogenetic location: 2q14.3.
Variant type: single nucleotide variant.
Coding change: c.412-226C>T on transcript NM_139343.3 (MANE Select); 226 bases into the intron before coding-DNA position 412, C replaced by T.
Molecular consequence: intron variant.
Genome position (GRCh38, 1-based): chr2:127,069,257, G>A on the plus strand (C>T on the coding strand, the complement: BIN1 is on the minus strand). VCF-style: chr2-127069257-G-A. GRCh37 (hg19) VCF-style: chr2-127826833-G-A.
Other names: c.331-226C>T (NM_001320642.1); c.340-226C>T (NM_001320634.1); c.412-226C>T (NM_139351.3, NM_139350.3, NM_139349.3 and 10 more transcripts).
Identifiers: ClinVar variation 680043 (VCV000680043.1), dbSNP rs3768858, ClinGen allele CA11082058.